The following is an entry in ClinVar:

NM_000342.4(SLC4A1):c.202G>T (p.Glu68Ter)

Gene: SLC4A1 (solute carrier family 4 member 1 (Diego blood group); minus strand). Cytogenetic location: 17q21.31.
Variant type: single nucleotide variant.
Coding change: c.202G>T on transcript NM_000342.4 (MANE Select); coding-DNA position 202, G replaced by T.
Protein change: p.Glu68Ter; replaces glutamic acid 68 with a stop codon.
Molecular consequence: nonsense.
Genome position (GRCh38, 1-based): chr17:44,260,782, C>A on the plus strand (G>T on the coding strand, the complement: SLC4A1 is on the minus strand). VCF-style: chr17-44260782-C-A. GRCh37 (hg19) VCF-style: chr17-42338150-C-A.
Other names: short protein forms E68*.
Identifiers: ClinVar variation 618372 (VCV000618372.16), dbSNP rs13306787, ClinGen allele CA399796500.

ClinVar aggregate classification (germline): Pathogenic/Likely pathogenic. Review status: criteria provided, multiple submitters, no conflicts (2 of 4 stars). 3 submissions from 3 submitters: Pathogenic (2); Likely pathogenic (1). Last evaluated 2024-11-24.

gnomAD v4.1: 1 of 1,613,524 alleles (0.000062%); highest among the groups gnomAD compares: Non-Finnish European, 0.000085%; no homozygotes.

Submissions (3):

Revvity Omics, Revvity
Classification: Pathogenic. Last evaluated: 2024-11-24. Review status: criteria provided, single submitter. Criteria: ACMG Guidelines, 2015. Collection method: clinical testing. Allele origin: germline.

ARUP Laboratories, Molecular Genetics and Genomics, ARUP Laboratories
Classification: Pathogenic. Last evaluated: 2024-05-03. Review status: criteria provided, single submitter. Criteria: ARUP Molecular Germline Variant Investigation Process 2024. Collection method: clinical testing. Allele origin: germline.
Comment: The SLC4A1 c.202G>T; p.Glu68Ter variant (rs13306787) is reported in the literature in an individual affected with spherocytosis (Vandorpe 2021) . This variant is reported in ClinVar (Variation ID: 618372). This variant is also absent from the Genome Aggregation Database, indicating it is not a common polymorphism. This variant induces an early termination codon and is predicted to result in a truncated protein or mRNA subject to nonsense-mediated decay. Based on available information, this variant is considered to be pathogenic. References: Vandorpe DH et al. A Grammastola spatulata mechanotoxin-4 (GsMTx4)-sensitive cation channel mediates increased cation permeability in human hereditary spherocytosis of multiple genetic etiologies. Haematologica. 2021 Oct 1. PMID: 34109777.

Mayo Clinic Laboratories, Mayo Clinic
Classification: Likely pathogenic. Last evaluated: 2020-04-03. Review status: criteria provided, single submitter. Criteria: ACMG Guidelines, 2015. Collection method: clinical testing. Allele origin: germline. Observed: 1 variant allele.
Comment: PVS1, PM2

Literature cited by the submitters: PubMed 27292444 (cited by Mayo Clinic Laboratories, Mayo Clinic).